The following is an entry in ClinVar:

ClinVar aggregate classification (germline): Uncertain significance. Review status: criteria provided, multiple submitters, no conflicts (2 of 4 stars). 2 submissions from 2 submitters: Uncertain significance (2). Last evaluated 2025-01-23.

Conditions:
Inborn genetic diseases. Identifiers: MedGen C0950123, MeSH D030342.

Allele frequency attached by ClinVar (database versions not stated): gnomAD exomes below 0.00001.
gnomAD v4.1: 2 of 1,614,050 alleles (0.00012%); highest among the groups gnomAD compares: Non-Finnish European, 0.00017%; no homozygotes.

Submissions (2):

Labcorp Genetics (formerly Invitae), Labcorp
Classification: Uncertain significance. Last evaluated: 2025-01-23. Review status: criteria provided, single submitter. Criteria: Invitae Variant Classification Sherloc (09022015). Collection method: clinical testing. Allele origin: germline.
Comment: This sequence change replaces glutamine, which is neutral and polar, with arginine, which is basic and polar, at codon 455 of the CHD8 protein (p.Gln455Arg). This variant is not present in population databases (gnomAD no frequency). This variant has not been reported in the literature in individuals affected with CHD8-related conditions. ClinVar contains an entry for this variant (Variation ID: 3144203). Invitae Evidence Modeling of protein sequence and biophysical properties (such as structural, functional, and spatial information, amino acid conservation, physicochemical variation, residue mobility, and thermodynamic stability) indicates that this missense variant is not expected to disrupt CHD8 protein function with a negative predictive value of 95%. In summary, the available evidence is currently insufficient to determine the role of this variant in disease. Therefore, it has been classified as a Variant of Uncertain Significance.

Ambry Genetics
Classification: Uncertain significance for Inborn genetic diseases. Last evaluated: 2024-02-06. Review status: criteria provided, single submitter. Criteria: Ambry Variant Classification Scheme 2023. Collection method: clinical testing. Allele origin: germline.

NM_001170629.2(CHD8):c.1364A>G (p.Gln455Arg)

Gene: CHD8 (chromodomain helicase DNA binding protein 8; minus strand). Cytogenetic location: 14q11.2.
Variant type: single nucleotide variant.
Coding change: c.1364A>G on transcript NM_001170629.2 (MANE Select); coding-DNA position 1364, A replaced by G.
Protein change: p.Gln455Arg; replaces glutamine 455 with arginine.
Molecular consequence: missense variant.
Genome position (GRCh38, 1-based): chr14:21,428,106, T>C on the plus strand (A>G on the coding strand, the complement: CHD8 is on the minus strand). VCF-style: chr14-21428106-T-C. GRCh37 (hg19) VCF-style: chr14-21896265-T-C.
Other names: c.527A>G, p.Gln176Arg (NM_020920.4); short protein forms Q455R, Q176R.
Identifiers: ClinVar variation 3144203 (VCV003144203.3), dbSNP rs2502002752, ClinGen allele CA388883419.
Genomic context (GRCh38, chr14:21,428,106, plus strand): 5'-CGGGCACGGGCTCTCGCAATGGCCTCTGCTACAATCCGATTTGCTTTCTCTTGCTTCTTC[T>C]GGTGTTCCAATCTGCGGTTTTCCTCCATTCCTGTCTTTCCCCCCGAATGAGGAGCAGAGC-3'
Protein context (NP_001164100.1, residues 445-465): GMEENRRLEH[Gln455Arg]KKQEKANRIV